The following is an entry in ClinVar:

ClinVar aggregate classification (germline): Likely benign. Review status: criteria provided, single submitter (1 of 4 stars). 2 submissions from 2 submitters: Likely benign (1). 1 of the submissions does not count toward it. Last evaluated 2023-03-23.

Conditions:
Hereditary cancer-predisposing syndrome. Also called: Neoplastic Syndromes, Hereditary; Tumor predisposition; Hereditary Cancer Syndrome; Hereditary neoplastic syndrome. Identifiers: Orphanet 140162, MedGen C0027672, MeSH D009386, MONDO:0015356.
Familial cancer of breast. Also called: BREAST CANCER, FAMILIAL; Hereditary breast cancer; hereditary breast carcinoma. Identifiers: Orphanet 227535, MedGen C0346153, MONDO:0016419, OMIM 114480. Disease mechanism: loss of function.

Submissions (2):

University of Washington Department of Laboratory Medicine, University of Washington
Classification: Likely benign for Hereditary cancer-predisposing syndrome. Last evaluated: 2023-03-23. Review status: criteria provided, single submitter. Criteria: Dines et al. (Genet Med. 2020). Collection method: curation. Allele origin: germline.
Comment: Missense variant in a coldspot region where missense variants are very unlikely to be pathogenic (PMID:31911673).

BRCA1 coldspot (exon 11 using historical exon numbering). Reclassification based on statistical prior probability

ClinVar Staff, National Center for Biotechnology Information (NCBI)
No classification provided. Condition: Familial cancer of breast. Review status: no classification provided. Collection method: literature only. Allele origin: germline. Affected: yes. Not counted in ClinVar's aggregate classification.

Literature cited by the submitters: PubMed 9609997 (cited by ClinVar Staff, National Center for Biotechnology Information (NCBI)).

NM_007294.4(BRCA1):c.2675T>C (p.Leu892Ser)

Gene: BRCA1 (BRCA1 DNA repair associated; minus strand). Cytogenetic location: 17q21.31.
Variant type: single nucleotide variant.
Coding change: c.2675T>C on transcript NM_007294.4 (MANE Select); coding-DNA position 2675, T replaced by C.
Protein change: p.Leu892Ser; replaces leucine 892 with serine.
Molecular consequence: missense variant. On other transcripts: intron variant (137).
Genome position (GRCh38, 1-based): chr17:43,092,856, A>G on the plus strand (T>C on the coding strand, the complement: BRCA1 is on the minus strand). VCF-style: chr17-43092856-A-G. GRCh37 (hg19) VCF-style: chr17-41244873-A-G.
Other names: c.2462T>C, p.Leu821Ser (NM_001407571.1, NM_001407853.1, NM_001407894.1 and 9 more transcripts); c.2675T>C, p.Leu892Ser (NM_001407581.1, NM_001407582.1, NM_001407583.1 and 30 more transcripts); c.2672T>C, p.Leu891Ser (NM_001407587.1, NM_001407590.1, NM_001407591.1 and 22 more transcripts); c.2666T>C, p.Leu889Ser (NM_001407646.1, NM_001407647.1); c.2552T>C, p.Leu851Ser (NM_001407648.1, NM_001407664.1, NM_001407665.1 and 19 more transcripts); c.2549T>C, p.Leu850Ser (NM_001407649.1, NM_001407670.1, NM_001407671.1 and 11 more transcripts); c.2597T>C, p.Leu866Ser (NM_001407653.1, NM_001407654.1, NM_001407655.1 and 4 more transcripts); c.2594T>C, p.Leu865Ser (NM_001407659.1, NM_001407660.1, NM_001407661.1 and 1 more transcripts); and 41 more; short protein forms L892S, L845S, L765S, L824S, L596S, L724S, L780S, L781S.
Identifiers: ClinVar variation 54638 (VCV000054638.4), dbSNP rs397508994, ClinGen allele CA001752.